The following is an entry in ClinVar:

NM_000257.4(MYH7):c.2375C>A (p.Ser792Tyr)

Genes: MYH7 (myosin heavy chain 7; minus strand), LOC126861898 (BRD4-independent group 4 enhancer GRCh37_chr14:23893609-23894808; plus strand). Cytogenetic location: 14q11.2.
Variant type: single nucleotide variant.
Coding change: c.2375C>A on transcript NM_000257.4 (MANE Select); coding-DNA position 2375, C replaced by A.
Protein change: p.Ser792Tyr; replaces serine 792 with tyrosine.
Molecular consequence: missense variant.
Genome position (GRCh38, 1-based): chr14:23,425,330, G>T on the plus strand (C>A on the coding strand, the complement: MYH7 is on the minus strand). VCF-style: chr14-23425330-G-T. GRCh37 (hg19) VCF-style: chr14-23894539-G-T.
Other names: c.2375C>A, p.Ser792Tyr (NM_001407004.1); short protein forms S792Y.
Identifiers: ClinVar variation 2095745 (VCV002095745.4), dbSNP rs1334451835, ClinGen allele CA389048546.

ClinVar aggregate classification (germline): Uncertain significance (1 of 4 stars; one submission).

Conditions:
Hypertrophic cardiomyopathy. Also called: HYPERTROPHIC MYOCARDIOPATHY. Identifiers: Orphanet 217569, MedGen C0007194, MeSH D002312, MONDO:0005045, HP:0001639.

Submission:

Labcorp Genetics (formerly Invitae), Labcorp
Classification: Uncertain significance for Hypertrophic cardiomyopathy. Last evaluated: 2022-03-26. Review status: criteria provided, single submitter. Criteria: Invitae Variant Classification Sherloc (09022015). Collection method: clinical testing. Allele origin: germline.
Comment: In summary, the available evidence is currently insufficient to determine the role of this variant in disease. Therefore, it has been classified as a Variant of Uncertain Significance. This variant is found within a region of MYH7 between codons 181 and 937 that contains the majority of the myosin head domain. Missense variants in this region have been shown to be significantly overrepresented in individuals with hypertrophic cardiomyopathy (PMID: 27532257). Algorithms developed to predict the effect of missense changes on protein structure and function are either unavailable or do not agree on the potential impact of this missense change (SIFT: "Deleterious"; PolyPhen-2: "Possibly Damaging"; Align-GVGD: "Class C15"). This variant has not been reported in the literature in individuals affected with MYH7-related conditions. This variant is not present in population databases (gnomAD no frequency). This sequence change replaces serine, which is neutral and polar, with tyrosine, which is neutral and polar, at codon 792 of the MYH7 protein (p.Ser792Tyr).

Literature cited by the submitters: PubMed 27532257.